The following is an entry in ClinVar:

NM_000124.4(ERCC6):c.2707G>T (p.Glu903Ter)

Gene: ERCC6 (ERCC excision repair 6, chromatin remodeling factor; minus strand). Cytogenetic location: 10q11.23.
Variant type: single nucleotide variant.
Coding change: c.2707G>T on transcript NM_000124.4 (MANE Select); coding-DNA position 2707, G replaced by T.
Protein change: p.Glu903Ter; replaces glutamic acid 903 with a stop codon.
Molecular consequence: nonsense.
Genome position (GRCh38, 1-based): chr10:49,473,479, C>A on the plus strand (G>T on the coding strand, the complement: ERCC6 is on the minus strand). VCF-style: chr10-49473479-C-A. GRCh37 (hg19) VCF-style: chr10-50681525-C-A.
Other names: c.2707G>T, p.Glu903Ter (NM_001346440.2); short protein forms E903*.
Identifiers: ClinVar variation 3661378 (VCV003661378.2).

ClinVar aggregate classification (germline): Pathogenic (1 of 4 stars; one submission).

Submission:

Labcorp Genetics (formerly Invitae), Labcorp
Classification: Pathogenic. Last evaluated: 2024-08-04. Review status: criteria provided, single submitter. Criteria: Invitae Variant Classification Sherloc (09022015). Collection method: clinical testing. Allele origin: germline.
Comment: This sequence change creates a premature translational stop signal (p.Glu903*) in the ERCC6 gene. It is expected to result in an absent or disrupted protein product. Loss-of-function variants in ERCC6 are known to be pathogenic (PMID: 18628313, 29572252). This variant is not present in population databases (gnomAD no frequency). This variant has not been reported in the literature in individuals affected with ERCC6-related conditions. Algorithms developed to predict the effect of sequence changes on RNA splicing suggest that this variant may disrupt the consensus splice site. For these reasons, this variant has been classified as Pathogenic.

Literature cited by the submitters: PubMed 18628313; PubMed 29572252.